The following is an entry in ClinVar:

NM_005909.5(MAP1B):c.2348_2349del (p.Lys783fs)

Gene: MAP1B (microtubule associated protein 1B; plus strand). Cytogenetic location: 5q13.2.
Variant type: Deletion.
Coding change: c.2348_2349del on transcript NM_005909.5 (MANE Select); coding-DNA positions 2348 to 2349, 2 bases deleted (AA; older notation c.2348_2349delAA).
Protein change: p.Lys783fs; shifts the reading frame from lysine 783.
Molecular consequence: frameshift variant.
Genome position (GRCh38, 1-based): chr5:72,195,703-72,195,704, AA deleted; deleting any 2 consecutive bases within chr5:72,195,701-72,195,704 gives the same sequence; the c. name uses the placement nearest the transcript's 3' end. VCF-style (leftmost placement, unchanged base first): chr5-72195700-TAA-T. GRCh37 (hg19) VCF-style: chr5-71491527-TAA-T.
Other names: c.1970_1971del, p.Lys657fs (NM_001324255.2); short protein forms K783fs, K657fs.
Identifiers: ClinVar variation 5023861 (VCV005023861.1).

ClinVar aggregate classification (germline): Pathogenic (1 of 4 stars; one submission).

Conditions:
Inborn genetic diseases. Identifiers: MedGen C0950123, MeSH D030342.

Submission:

Ambry Genetics
Classification: Pathogenic for Inborn genetic diseases. Last evaluated: 2026-07-30. Review status: criteria provided, single submitter. Criteria: Ambry Variant Classification Scheme 2023. Collection method: clinical testing. Allele origin: germline.
Comment: The c.2348_2349delAA (p.K783Sfs*3) alteration, located in exon 5 (coding exon 5) of the MAP1B gene, consists of a deletion of 2 nucleotides from position 2348 to 2349, causing a translational frameshift with a predicted alternate stop codon after 3 amino acids. This variant is expected to result in loss of function by premature protein truncation or nonsense-mediated mRNA decay. This variant was not reported in population-based cohorts in the Genome Aggregation Database (gnomAD). Based on the available evidence, this alteration is classified as pathogenic.